The following is an entry in ClinVar:

NM_007317.3(KIF22):c.1402C>T (p.Arg468Trp)

Gene: KIF22 (kinesin family member 22; plus strand). Cytogenetic location: 16p11.2.
Variant type: single nucleotide variant.
Coding change: c.1402C>T on transcript NM_007317.3 (MANE Select); coding-DNA position 1402, C replaced by T.
Protein change: p.Arg468Trp; replaces arginine 468 with tryptophan.
Molecular consequence: missense variant.
Genome position (GRCh38, 1-based): chr16:29,802,890, C>T. VCF-style: chr16-29802890-C-T. GRCh37 (hg19) VCF-style: chr16-29814211-C-T.
Other names: c.1198C>T, p.Arg400Trp (NM_001256269.2, NM_001256270.1); short protein forms R468W, R400W.
Identifiers: ClinVar variation 592996 (VCV000592996.8), dbSNP rs779821702, ClinGen allele CA7993270.

ClinVar aggregate classification (germline): Uncertain significance. Review status: criteria provided, multiple submitters, no conflicts (2 of 4 stars). 2 submissions from 2 submitters: Uncertain significance (2). Last evaluated 2023-10-29.

Allele frequency attached by ClinVar (database versions not stated): ExAC 0.00001; gnomAD exomes 0.00001; TOPMed 0.00001; gnomAD 0.00002.
gnomAD v4.1: 22 of 1,611,904 alleles (0.0014%); highest among the groups gnomAD compares: South Asian, 0.0033%; no homozygotes.

Submissions (2):

Labcorp Genetics (formerly Invitae), Labcorp
Classification: Uncertain significance. Last evaluated: 2023-10-29. Review status: criteria provided, single submitter. Criteria: Invitae Variant Classification Sherloc (09022015). Collection method: clinical testing. Allele origin: germline.
Comment: This sequence change replaces arginine, which is basic and polar, with tryptophan, which is neutral and slightly polar, at codon 468 of the KIF22 protein (p.Arg468Trp). This variant is not present in population databases (gnomAD no frequency). This variant has not been reported in the literature in individuals affected with KIF22-related conditions. ClinVar contains an entry for this variant (Variation ID: 592996). Advanced modeling of protein sequence and biophysical properties (such as structural, functional, and spatial information, amino acid conservation, physicochemical variation, residue mobility, and thermodynamic stability) performed at Invitae indicates that this missense variant is expected to disrupt KIF22 protein function with a positive predictive value of 80%. In summary, the available evidence is currently insufficient to determine the role of this variant in disease. Therefore, it has been classified as a Variant of Uncertain Significance.

Eurofins Ntd Llc (ga)
Classification: Uncertain significance. Last evaluated: 2017-07-11. Review status: criteria provided, single submitter. Criteria: EGL Classification Definitions 2015. Collection method: clinical testing. Allele origin: germline. Observed: 1 variant allele, 1 heterozygote.